The following is an entry in ClinVar:

NM_152564.5(VPS13B):c.7828del (p.Cys2610fs)

Gene: VPS13B (vacuolar protein sorting 13 homolog B; plus strand). Cytogenetic location: 8q22.2.
Variant type: Deletion.
Coding change: c.7828del on transcript NM_152564.5 (MANE Select); coding-DNA position 7828, one base deleted (T; older notation c.7828delT).
Protein change: p.Cys2610fs; shifts the reading frame from cysteine 2610.
Molecular consequence: frameshift variant.
Genome position (GRCh38, 1-based): chr8:99,784,363, T deleted. VCF-style (leftmost placement, unchanged base first): chr8-99784362-CT-C. GRCh37 (hg19) VCF-style: chr8-100796590-CT-C.
Other names: c.7903del, p.Cys2635fs (NM_017890.5); short protein forms C2635fs, C2610fs.
Identifiers: ClinVar variation 854662 (VCV000854662.7), dbSNP rs1812158350, ClinGen allele CA916081509.
Genomic context (GRCh38, chr8:99,784,362, plus strand): 5'-CTTTTTCTTTCAGAACAAATGCCCTGAGGTAGAGGAGTTGGTCTTCAGCCATTTTGTGAT[CT>C]GTAATGACACACAGGAGACACTGCGGTTTGGCCAGGTGGATACTGATGAAAATATTCTGC-3'

ClinVar aggregate classification (germline): Pathogenic (1 of 4 stars; one submission).

Conditions:
Cohen syndrome (COH1). Also called: PEPPER SYNDROME; Cutis verticis gyrata, retinitis pigmentosa, and sensorineural deafness. Identifiers: Orphanet 193, MedGen C0265223, MONDO:0008999, OMIM 216550.

Submission:

Labcorp Genetics (formerly Invitae), Labcorp
Classification: Pathogenic for Cohen syndrome. Last evaluated: 2022-07-11. Review status: criteria provided, single submitter. Criteria: Invitae Variant Classification Sherloc (09022015). Collection method: clinical testing. Allele origin: germline.
Comment: For these reasons, this variant has been classified as Pathogenic. ClinVar contains an entry for this variant (Variation ID: 854662). This variant has not been reported in the literature in individuals affected with VPS13B-related conditions. This variant is not present in population databases (gnomAD no frequency). This sequence change creates a premature translational stop signal (p.Cys2635Valfs*107) in the VPS13B gene. It is expected to result in an absent or disrupted protein product. Loss-of-function variants in VPS13B are known to be pathogenic (PMID: 15141358, 16648375, 20461111).

Literature cited by the submitters: PubMed 15141358; PubMed 16648375; PubMed 20461111.